The following is an entry in ClinVar:

NM_016038.4(SBDS):c.71G>T (p.Gly24Val)

Gene: SBDS (SBDS ribosome maturation factor; minus strand). Cytogenetic location: 7q11.21.
Variant type: single nucleotide variant.
Coding change: c.71G>T on transcript NM_016038.4 (MANE Select); coding-DNA position 71, G replaced by T.
Protein change: p.Gly24Val; replaces glycine 24 with valine.
Molecular consequence: missense variant.
Genome position (GRCh38, 1-based): chr7:66,995,347, C>A on the plus strand (G>T on the coding strand, the complement: SBDS is on the minus strand). VCF-style: chr7-66995347-C-A. GRCh37 (hg19) VCF-style: chr7-66460334-C-A.
Other names: short protein forms G24V.
Identifiers: ClinVar variation 3792731 (VCV003792731.1).

ClinVar aggregate classification (germline): Uncertain significance (1 of 4 stars; one submission).

Conditions:
Inborn genetic diseases. Identifiers: MedGen C0950123, MeSH D030342.

Submission:

Ambry Genetics
Classification: Uncertain significance for Inborn genetic diseases. Last evaluated: 2025-02-03. Review status: criteria provided, single submitter. Criteria: Ambry Variant Classification Scheme 2023. Collection method: clinical testing. Allele origin: germline.
Comment: The p.G24V variant (also known as c.71G>T), located in coding exon 1 of the SBDS gene, results from a G to T substitution at nucleotide position 71. The glycine at codon 24 is replaced by valine, an amino acid with dissimilar properties. This amino acid position is conserved. In addition, this alteration is predicted to be deleterious by in silico analysis. Based on the available evidence, the clinical significance of this variant remains unclear.